The following is an entry in ClinVar:

ClinVar aggregate classification (germline): Uncertain significance (1 of 4 stars; one submission).

Conditions:
Cardiovascular phenotype. Identifiers: MedGen CN230736.

gnomAD v4.1: 1 of 1,614,160 alleles (0.000062%); highest among the groups gnomAD compares: Non-Finnish European, 0.000085%; no homozygotes.

Submission:

Ambry Genetics
Classification: Uncertain significance for Cardiovascular phenotype. Last evaluated: 2025-02-20. Review status: criteria provided, single submitter. Criteria: Ambry Variant Classification Scheme 2023. Collection method: clinical testing. Allele origin: germline.
Comment: The p.K183E variant (also known as c.547A>G), located in coding exon 4 of the SCN1B gene, results from an A to G substitution at nucleotide position 547. The lysine at codon 183 is replaced by glutamic acid, an amino acid with similar properties. This amino acid position is conserved. In addition, the in silico prediction for this alteration is inconclusive. Based on the available evidence, the clinical significance of this variant remains unclear.

NM_001037.5(SCN1B):c.547A>G (p.Lys183Glu)

Gene: SCN1B (sodium voltage-gated channel beta subunit 1; plus strand). Cytogenetic location: 19q13.11.
Variant type: single nucleotide variant.
Coding change: c.547A>G on transcript NM_001037.5 (MANE Select); coding-DNA position 547, A replaced by G.
Protein change: p.Lys183Glu; replaces lysine 183 with glutamic acid.
Molecular consequence: missense variant.
Genome position (GRCh38, 1-based): chr19:35,039,215, A>G. VCF-style: chr19-35039215-A-G. GRCh37 (hg19) VCF-style: chr19-35530119-A-G.
Other names: c.448A>G, p.Lys150Glu (NM_001321605.2); short protein forms K183E, K150E.
Identifiers: ClinVar variation 3793182 (VCV003793182.1).